The following is an entry in ClinVar:

NM_001498.4(GCLC):c.330C>T (p.Tyr110=)

Gene: GCLC (glutamate-cysteine ligase catalytic subunit; minus strand). Cytogenetic location: 6p12.1.
Variant type: single nucleotide variant.
Coding change: c.330C>T on transcript NM_001498.4 (MANE Select); coding-DNA position 330, C replaced by T.
Protein change: p.Tyr110=; no amino-acid change (tyrosine 110 retained).
Molecular consequence: synonymous variant.
Genome position (GRCh38, 1-based): chr6:53,520,894, G>A on the plus strand (C>T on the coding strand, the complement: GCLC is on the minus strand). VCF-style: chr6-53520894-G-A. GRCh37 (hg19) VCF-style: chr6-53385692-G-A.
Other names: c.330C>T, p.Tyr110= (NM_001197115.2); c.330C>T (NM_001498.3).
Identifiers: ClinVar variation 2768079 (VCV002768079.7), dbSNP rs141946881, ClinGen allele CA3860391.

ClinVar aggregate classification (germline): Likely benign. Review status: criteria provided, multiple submitters, no conflicts (2 of 4 stars). 4 submissions from 4 submitters: Likely benign (3). 1 of the submissions does not count toward it. Last evaluated 2025-06-12.

Conditions:
GCLC-related disorder. Also called: GCLC-related condition.

Allele frequency attached by ClinVar (database versions not stated): gnomAD 0.00005; ExAC 0.00006; ESP Exome Variant Server 0.00008; TOPMed 0.00009; gnomAD exomes 0.00011; 1000 Genomes Project 30x 0.00016; 1000 Genomes Project 0.00020.
gnomAD v4.1: 175 of 1,613,838 alleles (0.011%); highest among the groups gnomAD compares: Admixed American, 0.013%; no homozygotes.

Submissions (4):

Labcorp Genetics (formerly Invitae), Labcorp
Classification: Likely benign. Last evaluated: 2025-06-12. Review status: criteria provided, single submitter. Criteria: Invitae Variant Classification Sherloc (09022015). Collection method: clinical testing. Allele origin: germline.

Blueprint Genetics
Classification: Likely benign. Last evaluated: 2023-11-16. Review status: criteria provided, single submitter. Criteria: ACMG Guidelines, 2015. Collection method: clinical testing. Allele origin: germline.

ARUP Laboratories, Molecular Genetics and Genomics, ARUP Laboratories
Classification: Likely benign. Last evaluated: 2023-06-19. Review status: criteria provided, single submitter. Criteria: ARUP Molecular Germline Variant Investigation Process 2024. Collection method: clinical testing. Allele origin: germline.

PreventionGenetics, part of Exact Sciences
Classification: Likely benign for GCLC-related condition. Last evaluated: 2019-11-25. Review status: no assertion criteria provided. Collection method: clinical testing. Allele origin: germline. Not counted in ClinVar's aggregate classification.
Comment: This variant is classified as likely benign based on ACMG/AMP sequence variant interpretation guidelines (Richards et al. 2015 PMID: 25741868, with internal and published modifications).